The following is an entry in ClinVar:

ClinVar aggregate classification (germline): Uncertain significance (1 of 4 stars; one submission).

Conditions:
Von Hippel-Lindau syndrome (VHLS). Also called: von Hippel–Lindau syndrome; VHL syndrome; Von Hippel-Lindau. Identifiers: Orphanet 892, MedGen C0019562, MONDO:0008667, OMIM 193300. Disease mechanism: loss of function.
Chuvash polycythemia. Also called: POLYCYTHEMIA, VHL-DEPENDENT. Identifiers: Orphanet 238557, MedGen C1837915, MONDO:0009892, OMIM 263400.

Submission:

Labcorp Genetics (formerly Invitae), Labcorp
Classification: Uncertain significance for Von Hippel-Lindau syndrome; Chuvash polycythemia. Last evaluated: 2023-09-03. Review status: criteria provided, single submitter. Criteria: Invitae Variant Classification Sherloc (09022015). Collection method: clinical testing. Allele origin: germline.
Comment: This sequence change falls in intron 1 of the VHL gene. It is not expected to change the encoded amino acid sequence of the VHL protein. However, this sequence change falls within a cryptic exon in the VHL gene, known as exon E1’, which is naturally expressed at low levels in several human tissues (PMID: 29891534). This variant is not present in population databases (gnomAD no frequency). This variant has not been reported in the literature in individuals affected with VHL-related conditions. Algorithms developed to predict the effect of sequence changes on RNA splicing suggest that this variant is not likely to affect RNA splicing. In summary, the available evidence is currently insufficient to determine the role of this variant in disease. Therefore, it has been classified as a Variant of Uncertain Significance.

Literature cited by the submitters: PubMed 29891534.

NM_000551.4(VHL):c.340+606T>A

Genes: VHL (von Hippel-Lindau tumor suppressor; plus strand), LOC107303340 (3p25 von Hippel-Lindau tumor suppressor, E3 ubiquitin protein ligase Alu-mediated recombination region; plus strand). Cytogenetic location: 3p25.3.
Variant type: single nucleotide variant.
Coding change: c.340+606T>A on transcript NM_000551.4 (MANE Select); 606 bases into the intron after coding-DNA position 340, T replaced by A.
Molecular consequence: intron variant. On other transcripts: missense variant (1), non-coding transcript variant (1).
Genome position (GRCh38, 1-based): chr3:10,142,793, T>A. VCF-style: chr3-10142793-T-A. GRCh37 (hg19) VCF-style: chr3-10184477-T-A.
Other names: c.371T>A, p.Val124Glu (NM_001354723.2); c.340+606T>A (NM_198156.3); short protein forms V124E.
Identifiers: ClinVar variation 2947387 (VCV002947387.3), dbSNP rs2470159925, ClinGen allele CA2740090914.